The following is an entry in ClinVar:

NM_001098.3(ACO2):c.2051G>A (p.Arg684Gln)

Genes: POLR3H (RNA polymerase III subunit H; minus strand), ACO2 (aconitase 2; plus strand). Cytogenetic location: 22q13.2.
Variant type: single nucleotide variant.
Coding change: c.2051G>A on transcript NM_001098.3 (MANE Select); coding-DNA position 2051, G replaced by A.
Protein change: p.Arg684Gln; replaces arginine 684 with glutamine.
Molecular consequence: missense variant. On other transcripts: 3 prime UTR variant (5).
Genome position (GRCh38, 1-based): chr22:41,527,385, G>A. VCF-style: chr22-41527385-G-A. GRCh37 (hg19) VCF-style: chr22-41923389-G-A.
Other names: p.R684Q:CGG>CAG; c.*1898C>T (NM_001018050.4, NM_001018052.4, NM_001282884.2 and 2 more transcripts); short protein forms R684Q.
Identifiers: ClinVar variation 214022 (VCV000214022.31), dbSNP rs200345386, ClinGen allele CA323486.

ClinVar aggregate classification (germline): Uncertain significance. Review status: criteria provided, multiple submitters, no conflicts (2 of 4 stars). 6 submissions from 6 submitters: Uncertain significance (6). Last evaluated 2025-10-20.

Conditions:
Optic atrophy 9 (OPA9). Identifiers: MedGen C4225384, MONDO:0014571, OMIM 616289.
Infantile cerebellar-retinal degeneration (ICRD). Identifiers: Orphanet 313850, MedGen C3281192, MONDO:0013802, OMIM 614559.
Inborn genetic diseases. Identifiers: MedGen C0950123, MeSH D030342.

Allele frequency attached by ClinVar (database versions not stated): ExAC 0.00005; gnomAD exomes 0.00006 and 0.00008; TOPMed 0.00009; gnomAD 0.00011.
gnomAD v4.1: 129 of 1,613,316 alleles (0.008%); highest among the groups gnomAD compares: Admixed American, 0.022%; no homozygotes.

Submissions (6):

Labcorp Genetics (formerly Invitae), Labcorp
Classification: Uncertain significance. Last evaluated: 2025-10-20. Review status: criteria provided, single submitter. Criteria: Invitae Variant Classification Sherloc (09022015). Collection method: clinical testing. Allele origin: germline.
Comment: This sequence change replaces arginine, which is basic and polar, with glutamine, which is neutral and polar, at codon 684 of the ACO2 protein (p.Arg684Gln). This variant is present in population databases (rs200345386, gnomAD 0.01%). This variant has not been reported in the literature in individuals affected with ACO2-related conditions. ClinVar contains an entry for this variant (Variation ID: 214022). Invitae Evidence Modeling of protein sequence and biophysical properties (such as structural, functional, and spatial information, amino acid conservation, physicochemical variation, residue mobility, and thermodynamic stability) indicates that this missense variant is not expected to disrupt ACO2 protein function with a negative predictive value of 80%. In summary, the available evidence is currently insufficient to determine the role of this variant in disease. Therefore, it has been classified as a Variant of Uncertain Significance.

GeneDx
Classification: Uncertain significance. Last evaluated: 2025-05-29. Review status: criteria provided, single submitter. Criteria: GeneDx Variant Classification Process June 2021. Collection method: clinical testing. Allele origin: germline. Affected: yes.
Comment: Not observed at significant frequency in large population cohorts (gnomAD); In silico analysis suggests that this missense variant does not alter protein structure/function; Has not been previously published as pathogenic or benign to our knowledge

CeGaT Center for Human Genetics Tuebingen
Classification: Uncertain significance. Last evaluated: 2024-07-01. Review status: criteria provided, single submitter. Criteria: CeGaT Center For Human Genetics Tuebingen Variant Classification Criteria Version 2. Collection method: clinical testing. Allele origin: germline. Affected: yes. Observed: 1 variant allele.
Comment: ACO2: PM2

Ambry Genetics
Classification: Uncertain significance for Inborn genetic diseases. Last evaluated: 2024-03-25. Review status: criteria provided, single submitter. Criteria: Ambry Variant Classification Scheme 2023. Collection method: clinical testing. Allele origin: germline.

Baylor Genetics
Classification: Uncertain significance for Infantile cerebellar-retinal degeneration. Last evaluated: 2020-07-24. Review status: criteria provided, single submitter. Criteria: ACMG Guidelines, 2015. Collection method: clinical testing. Allele origin: unknown. Affected: yes.
Comment: This variant was determined to be of uncertain significance according to ACMG Guidelines, 2015 [PMID:25741868].

Fulgent Genetics
Classification: Uncertain significance for Infantile cerebellar-retinal degeneration; Optic atrophy 9. Last evaluated: 2018-10-31. Review status: criteria provided, single submitter. Criteria: ACMG Guidelines, 2015. Collection method: clinical testing. Allele origin: unknown.